The following is an entry in ClinVar:

NM_172362.3(KCNH1):c.1621G>C (p.Val541Leu)

Gene: KCNH1 (potassium voltage-gated channel subfamily H member 1; minus strand). Cytogenetic location: 1q32.2.
Variant type: single nucleotide variant.
Coding change: c.1621G>C on transcript NM_172362.3 (MANE Select); coding-DNA position 1621, G replaced by C.
Protein change: p.Val541Leu; replaces valine 541 with leucine.
Molecular consequence: missense variant.
Genome position (GRCh38, 1-based): chr1:210,804,008, C>G on the plus strand (G>C on the coding strand, the complement: KCNH1 is on the minus strand). VCF-style: chr1-210804008-C-G. GRCh37 (hg19) VCF-style: chr1-210977350-C-G.
Other names: c.1540G>C, p.Val514Leu (NM_002238.4); short protein forms V514L, V541L.
Identifiers: ClinVar variation 1310940 (VCV001310940.3), dbSNP rs1684480575, ClinGen allele CA344874137.

ClinVar aggregate classification (germline): Uncertain significance (1 of 4 stars; one submission).

Allele frequency attached by ClinVar (database versions not stated): TOPMed 0.00001.

Submission:

GeneDx
Classification: Uncertain significance. Last evaluated: 2026-07-29. Review status: criteria provided, single submitter. Criteria: GeneDx Variant Classification Process June 2021. Collection method: clinical testing. Allele origin: germline.
Comment: Not observed at significant frequency in large population cohorts (gnomAD); In silico analysis supports that this missense variant has a deleterious effect on protein structure/function; Has not been previously published as pathogenic or benign to our knowledge